The following is an entry in ClinVar:

NM_000964.4(RARA):c.155G>A (p.Gly52Glu)

Gene: RARA (retinoic acid receptor alpha; plus strand). Cytogenetic location: 17q21.2.
Variant type: single nucleotide variant.
Coding change: c.155G>A on transcript NM_000964.4 (MANE Select); coding-DNA position 155, G replaced by A.
Protein change: p.Gly52Glu; replaces glycine 52 with glutamic acid.
Molecular consequence: missense variant.
Genome position (GRCh38, 1-based): chr17:40,331,373, G>A. VCF-style: chr17-40331373-G-A. GRCh37 (hg19) VCF-style: chr17-38487625-G-A.
Other names: c.155G>A, p.Gly52Glu (NM_001145301.3, NM_001145302.3); short protein forms G52E.
Identifiers: ClinVar variation 3774540 (VCV003774540.1).

ClinVar aggregate classification (germline): Uncertain significance (1 of 4 stars; one submission).

Conditions:
Familial meningioma. Also called: Meningioma, familial, susceptibility to. Identifiers: Orphanet 263662, MedGen C3551915, MONDO:0011789, OMIM 607174.

gnomAD v4.1: 20 of 1,613,810 alleles (0.0012%); highest among the groups gnomAD compares: Non-Finnish European, 0.000085%; no homozygotes.

Submission:

Dr. Guy Rouleau's laboratory, McGill University
Classification: Uncertain significance for Familial meningioma. Last evaluated: 2025-03-22. Review status: criteria provided, single submitter. Criteria: ACMG Guidelines, 2015. Collection method: research. Allele origin: germline. Affected: yes.
Comment: This missense variant located at the position 52, is change from Glycine (G) neutral and nonpolar amino acid to Glutamic acid (E) an acidic aminoacid in RARA gene. This variant has been reported in population database (gnomAD v2.1.1 allele frequency =0.00002012, exome coverage 38X). Based on the available evidence, the clinical significance of this variant is unknown.